The following is an entry in ClinVar:

NM_001037131.3(AGAP1):c.919G>A (p.Val307Ile)

Gene: AGAP1 (ArfGAP with GTPase domain, ankyrin repeat and PH domain 1; plus strand). Cytogenetic location: 2q37.2.
Variant type: single nucleotide variant.
Coding change: c.919G>A on transcript NM_001037131.3 (MANE Select); coding-DNA position 919, G replaced by A.
Protein change: p.Val307Ile; replaces valine 307 with isoleucine.
Molecular consequence: missense variant.
Genome position (GRCh38, 1-based): chr2:235,799,484, G>A. VCF-style: chr2-235799484-G-A. GRCh37 (hg19) VCF-style: chr2-236708128-G-A.
Other names: c.919G>A, p.Val307Ile (NM_001244888.2, NM_001412122.1, NM_014914.5); short protein forms V307I.
Identifiers: ClinVar variation 2717204 (VCV002717204.3), dbSNP rs767939918, ClinGen allele CA2184616.
Genomic context (GRCh38, chr2:235,799,484, plus strand): 5'-AGCACCAGCCAGAAGGAACTTCGGATCGATGTTCCTCCCACTGCCAACACGCCCACGCCC[G>A]TTCGCAAGCAGTCTAAGCGCCGGTCCAACCTGTTCACCGTGAGTGTCAACCCTGGGTGGA-3'
Protein context (NP_001032208.1, residues 297-317): VPPTANTPTP[Val307Ile]RKQSKRRSNL

ClinVar aggregate classification (germline): Uncertain significance (1 of 4 stars; one submission).

Allele frequency attached by ClinVar (database versions not stated): gnomAD 0.00001; ExAC 0.00002; TOPMed 0.00002.
gnomAD v4.1: 28 of 1,614,066 alleles (0.0017%); highest among the groups gnomAD compares: South Asian, 0.0044%; no homozygotes.

Submission:

Labcorp Genetics (formerly Invitae), Labcorp
Classification: Uncertain significance. Last evaluated: 2023-04-30. Review status: criteria provided, single submitter. Criteria: Invitae Variant Classification Sherloc (09022015). Collection method: clinical testing. Allele origin: germline.
Comment: In summary, the available evidence is currently insufficient to determine the role of this variant in disease. Therefore, it has been classified as a Variant of Uncertain Significance. An algorithm developed to predict the effect of missense changes on protein structure and function (PolyPhen-2) suggests that this variant is likely to be tolerated. This variant has not been reported in the literature in individuals affected with AGAP1-related conditions. This variant is present in population databases (rs767939918, gnomAD 0.007%). This sequence change replaces valine, which is neutral and non-polar, with isoleucine, which is neutral and non-polar, at codon 307 of the AGAP1 protein (p.Val307Ile).